The following is an entry in ClinVar:

NM_001349884.2(DRAM2):c.516C>T (p.Ser172=)

Gene: DRAM2 (DNA damage regulated autophagy modulator 2; minus strand). Cytogenetic location: 1p13.3.
Variant type: single nucleotide variant.
Coding change: c.516C>T on transcript NM_001349884.2 (MANE Select); coding-DNA position 516, C replaced by T.
Protein change: p.Ser172=; no amino-acid change (serine 172 retained).
Molecular consequence: synonymous variant.
Genome position (GRCh38, 1-based): chr1:111,120,517, G>A on the plus strand (C>T on the coding strand, the complement: DRAM2 is on the minus strand). VCF-style: chr1-111120517-G-A. GRCh37 (hg19) VCF-style: chr1-111663139-G-A.
Other names: c.516C>T, p.Ser172= (NM_001349881.2, NM_001349882.2, NM_001349885.2 and 1 more transcripts); c.246C>T, p.Ser82= (NM_001349886.2, NM_001349887.2, NM_001349888.2); c.126C>T, p.Ser42= (NM_001349889.2, NM_001349890.2, NM_001349891.2 and 2 more transcripts).
Identifiers: ClinVar variation 2156657 (VCV002156657.4), dbSNP rs771322933, ClinGen allele CA1001823.

ClinVar aggregate classification (germline): Uncertain significance (1 of 4 stars; one submission).

Allele frequency attached by ClinVar (database versions not stated): TOPMed 0.00001.
gnomAD v4.1: 4 of 1,593,948 alleles (0.00025%); highest among the groups gnomAD compares: East Asian, 0.0045%; no homozygotes.

Submission:

Labcorp Genetics (formerly Invitae), Labcorp
Classification: Uncertain significance. Last evaluated: 2022-08-18. Review status: criteria provided, single submitter. Criteria: Invitae Variant Classification Sherloc (09022015). Collection method: clinical testing. Allele origin: germline.
Comment: Algorithms developed to predict the effect of sequence changes on RNA splicing suggest that this variant is not likely to affect RNA splicing. In summary, the available evidence is currently insufficient to determine the role of this variant in disease. Therefore, it has been classified as a Variant of Uncertain Significance. This variant has not been reported in the literature in individuals affected with DRAM2-related conditions. This sequence change affects codon 172 of the DRAM2 mRNA. It is a 'silent' change, meaning that it does not change the encoded amino acid sequence of the DRAM2 protein. It affects a nucleotide within the consensus splice site. This variant is present in population databases (rs771322933, gnomAD 0.006%).